The following is an entry in ClinVar:

NM_001101362.3(KBTBD13):c.1005_1006delinsAA (p.Leu336Met)

Gene: KBTBD13 (kelch repeat and BTB domain containing 13; plus strand). Cytogenetic location: 15q22.31.
Variant type: Indel.
Coding change: c.1005_1006delinsAA on transcript NM_001101362.3 (MANE Select); coding-DNA positions 1005 to 1006, GC replaced by AA.
Protein change: p.Leu336Met; replaces leucine 336 with methionine.
Molecular consequence: missense variant.
Genome position (GRCh38, 1-based): chr15:65,077,820-65,077,821, GC replaced by AA. VCF-style: chr15-65077820-GC-AA. GRCh37 (hg19) VCF-style: chr15-65370158-GC-AA.
Other names: short protein forms L336M.
Identifiers: ClinVar variation 1472991 (VCV001472991.6), dbSNP rs2140545326, ClinGen allele CA2573151047.
Genomic context (GRCh38, chr15:65,077,820, plus strand): 5'-CGACACCACCGCCGTGGTGGAGTACGCAGTGCGGACCGACGCGTGGCTGCCAGTGGCCGA[GC>AA]TGCGGCGTCCGCAGAGCTATGGCCACTGCATGGTGGCCCACCGCGACAGCCTCTATGTGG-3'
Protein context (NP_001094832.1, residues 326-346): RTDAWLPVAE[Leu336Met]RRPQSYGHCM

ClinVar aggregate classification (germline): Uncertain significance (1 of 4 stars; one submission).

Conditions:
Nemaline myopathy 6 (NEM6). Also called: Nemaline myopathy 6, autosomal dominant. Identifiers: Orphanet 171439, MedGen C1836472, MONDO:0012237, OMIM 609273.

Submission:

Labcorp Genetics (formerly Invitae), Labcorp
Classification: Uncertain significance for Nemaline myopathy 6. Last evaluated: 2022-06-13. Review status: criteria provided, single submitter. Criteria: Invitae Variant Classification Sherloc (09022015). Collection method: clinical testing. Allele origin: germline.
Comment: This sequence change replaces leucine with methionine at codon 336 of the KBTBD13 protein (p.Leu336Met). The leucine residue is moderately conserved and there is a small physicochemical difference between leucine and methionine. In summary, the available evidence is currently insufficient to determine the role of this variant in disease. Therefore, it has been classified as a Variant of Uncertain Significance. Experimental studies and prediction algorithms are not available or were not evaluated, and the functional significance of this variant is currently unknown. This variant has not been reported in the literature in individuals affected with KBTBD13-related conditions. Information on the frequency of this variant in the gnomAD database is not available, as this variant may be reported differently in the database.